The following is an entry in ClinVar:

ClinVar aggregate classification (germline): Likely benign. Review status: criteria provided, multiple submitters, no conflicts (2 of 4 stars). 3 submissions from 3 submitters: Likely benign (3). Last evaluated 2026-08-01.

Conditions:
Primary ciliary dyskinesia. Also called: Ciliary dyskinesia. Identifiers: Orphanet 244, MedGen C0008780, MONDO:0016575, HP:0012265.

Allele frequency attached by ClinVar (database versions not stated): gnomAD 0.00219 and 0.00170; 1000 Genomes Project 30x 0.00016; 1000 Genomes Project 0.00020; ESP Exome Variant Server 0.00131; TOPMed 0.00218.
gnomAD v4.1: 3,402 of 1,613,156 alleles (0.21%); highest among the groups gnomAD compares: Non-Finnish European, 0.24%; 7 homozygotes.

Submissions (3):

CeGaT Center for Human Genetics Tuebingen
Classification: Likely benign. Last evaluated: 2026-08-01. Review status: criteria provided, single submitter. Criteria: CeGaT Center For Human Genetics Tuebingen Variant Classification Criteria Version 2. Collection method: clinical testing. Allele origin: germline. Affected: yes. Observed: 1 variant allele.
Comment: DNAH8: BS2

Labcorp Genetics (formerly Invitae), Labcorp
Classification: Likely benign for Primary ciliary dyskinesia. Last evaluated: 2026-02-03. Review status: criteria provided, single submitter. Criteria: Invitae Variant Classification Sherloc (09022015). Collection method: clinical testing. Allele origin: germline.

Mayo Clinic Laboratories, Mayo Clinic
Classification: Likely benign. Last evaluated: 2025-06-17. Review status: criteria provided, single submitter. Criteria: ACMG Guidelines, 2015. Collection method: clinical testing. Allele origin: germline. Observed: 2 variant alleles.
Comment: BS1, BS2, PP3

NM_001206927.2(DNAH8):c.10678G>A (p.Ala3560Thr)

Genes: DNAH8 (dynein axonemal heavy chain 8; plus strand), DNAH8-AS1 (DNAH8 antisense RNA 1; minus strand). Cytogenetic location: 6p21.2.
Variant type: single nucleotide variant.
Coding change: c.10678G>A on transcript NM_001206927.2 (MANE Select); coding-DNA position 10678, G replaced by A.
Protein change: p.Ala3560Thr; replaces alanine 3560 with threonine.
Molecular consequence: missense variant.
Genome position (GRCh38, 1-based): chr6:38,923,073, G>A. VCF-style: chr6-38923073-G-A. GRCh37 (hg19) VCF-style: chr6-38890849-G-A.
Other names: p.Ala3560Thr; c.10027G>A, p.Ala3343Thr (NM_001371.4); short protein forms A3560T, A3343T.
Identifiers: ClinVar variation 238629 (VCV000238629.13), dbSNP rs141263020, ClinGen allele CA3790807.